The following is an entry in ClinVar:

ClinVar aggregate classification (germline): Uncertain significance. Review status: criteria provided, multiple submitters, no conflicts (2 of 4 stars). 2 submissions from 2 submitters: Uncertain significance (2). Last evaluated 2025-01-23.

Conditions:
Inborn genetic diseases. Identifiers: MedGen C0950123, MeSH D030342.
Nephronophthisis 9 (NPHP9). Identifiers: Orphanet 655, MedGen C3151188, MONDO:0013444, OMIM 613824.

Allele frequency attached by ClinVar (database versions not stated): ExAC 0.00002; gnomAD 0.00002 and 0.00003; gnomAD exomes 0.00003 and 0.00005; TOPMed 0.00004.

Submissions (2):

Ambry Genetics
Classification: Uncertain significance for Inborn genetic diseases. Last evaluated: 2025-01-23. Review status: criteria provided, single submitter. Criteria: Ambry Variant Classification Scheme 2023. Collection method: clinical testing. Allele origin: germline.

Labcorp Genetics (formerly Invitae), Labcorp
Classification: Uncertain significance for Nephronophthisis 9. Last evaluated: 2019-11-03. Review status: criteria provided, single submitter. Criteria: Invitae Variant Classification Sherloc (09022015). Collection method: clinical testing. Allele origin: germline.
Comment: This sequence change replaces arginine with histidine at codon 469 of the NEK8 protein (p.Arg469His). The arginine residue is highly conserved and there is a small physicochemical difference between arginine and histidine. This variant is present in population databases (rs762108966, ExAC 0.009%). This variant has not been reported in the literature in individuals with NEK8-related conditions. Algorithms developed to predict the effect of missense changes on protein structure and function (SIFT, PolyPhen-2, Align-GVGD) all suggest that this variant is likely to be disruptive, but these predictions have not been confirmed by published functional studies and their clinical significance is uncertain. In summary, the available evidence is currently insufficient to determine the role of this variant in disease. Therefore, it has been classified as a Variant of Uncertain Significance.

NM_178170.3(NEK8):c.1406G>A (p.Arg469His)

Gene: NEK8 (NIMA related kinase 8; plus strand). Cytogenetic location: 17q11.2.
Variant type: single nucleotide variant.
Coding change: c.1406G>A on transcript NM_178170.3 (MANE Select); coding-DNA position 1406, G replaced by A.
Protein change: p.Arg469His; replaces arginine 469 with histidine.
Molecular consequence: missense variant.
Genome position (GRCh38, 1-based): chr17:28,739,190, G>A. VCF-style: chr17-28739190-G-A. GRCh37 (hg19) VCF-style: chr17-27066208-G-A.
Other names: short protein forms R469H.
Identifiers: ClinVar variation 965455 (VCV000965455.8), dbSNP rs762108966, ClinGen allele CA8467417.